The following is an entry in ClinVar:

ClinVar aggregate classification (germline): Uncertain significance (1 of 4 stars; one submission).

Conditions:
Wilson disease (WND). Also called: Wilson's disease. Identifiers: Orphanet 905, MedGen C0019202, MONDO:0010200, OMIM 277900. Disease mechanism: loss of function.

Allele frequency attached by ClinVar (database versions not stated): gnomAD exomes below 0.00001.
gnomAD v4.1: 1 of 1,614,028 alleles (0.000062%); highest among the groups gnomAD compares: Non-Finnish European, 0.000085%; no homozygotes.

Submission:

Labcorp Genetics (formerly Invitae), Labcorp
Classification: Uncertain significance for Wilson disease. Last evaluated: 2020-12-07. Review status: criteria provided, single submitter. Criteria: Invitae Variant Classification Sherloc (09022015). Collection method: clinical testing. Allele origin: germline.
Comment: In summary, the available evidence is currently insufficient to determine the role of this variant in disease. Therefore, it has been classified as a Variant of Uncertain Significance. Advanced modeling of protein sequence and biophysical properties (such as structural, functional, and spatial information, amino acid conservation, physicochemical variation, residue mobility, and thermodynamic stability) performed at Invitae indicates that this missense variant is expected to disrupt ATP7B protein function. This variant has not been reported in the literature in individuals with ATP7B-related conditions. This variant is not present in population databases (ExAC no frequency). This sequence change replaces methionine with lysine at codon 266 of the ATP7B protein (p.Met266Lys). The methionine residue is highly conserved and there is a moderate physicochemical difference between methionine and lysine.

NM_000053.4(ATP7B):c.797T>A (p.Met266Lys)

Gene: ATP7B (ATPase copper transporting beta; minus strand). Cytogenetic location: 13q14.3.
Variant type: single nucleotide variant.
Coding change: c.797T>A on transcript NM_000053.4 (MANE Select); coding-DNA position 797, T replaced by A.
Protein change: p.Met266Lys; replaces methionine 266 with lysine.
Molecular consequence: missense variant.
Genome position (GRCh38, 1-based): chr13:51,974,423, A>T on the plus strand (T>A on the coding strand, the complement: ATP7B is on the minus strand). VCF-style: chr13-51974423-A-T. GRCh37 (hg19) VCF-style: chr13-52548559-A-T.
Other names: c.797T>A, p.Met266Lys (NM_001005918.3, NM_001243182.2, NM_001330578.2 and 1 more transcripts); short protein forms M266K.
Identifiers: ClinVar variation 1519464 (VCV001519464.8), dbSNP rs2140089674, ClinGen allele CA388041338.